The following is an entry in ClinVar:

NM_016169.4(SUFU):c.81T>C (p.Ala27=)

Genes: SUFU (SUFU negative regulator of hedgehog signaling; plus strand), LOC130004614 (ATAC-STARR-seq lymphoblastoid silent region 2764; plus strand). Cytogenetic location: 10q24.32.
Variant type: single nucleotide variant.
Coding change: c.81T>C on transcript NM_016169.4 (MANE Select); coding-DNA position 81, T replaced by C.
Protein change: p.Ala27=; no amino-acid change (alanine 27 retained).
Molecular consequence: synonymous variant.
Genome position (GRCh38, 1-based): chr10:102,504,233, T>C. VCF-style: chr10-102504233-T-C. GRCh37 (hg19) VCF-style: chr10-104263990-T-C.
Other names: c.81T>C, p.Ala27= (NM_001178133.2).
Identifiers: ClinVar variation 1762436 (VCV001762436.10), dbSNP rs2544830882, ClinGen allele CA471304836.

ClinVar aggregate classification (germline): Likely benign. Review status: criteria provided, multiple submitters, no conflicts (2 of 4 stars). 2 submissions from 2 submitters: Likely benign (2). Last evaluated 2025-08-01.

Conditions:
Hereditary cancer-predisposing syndrome. Also called: Hereditary neoplastic syndrome; Neoplastic Syndromes, Hereditary; Tumor predisposition; Hereditary Cancer Syndrome. Identifiers: Orphanet 140162, MedGen C0027672, MeSH D009386, MONDO:0015356.

Submissions (2):

CeGaT Center for Human Genetics Tuebingen
Classification: Likely benign. Last evaluated: 2025-08-01. Review status: criteria provided, single submitter. Criteria: CeGaT Center For Human Genetics Tuebingen Variant Classification Criteria Version 2. Collection method: clinical testing. Allele origin: germline. Affected: yes. Observed: 1 variant allele.
Comment: SUFU: PM2:Supporting, BP4, BP7

Ambry Genetics
Classification: Likely benign for Hereditary cancer-predisposing syndrome. Last evaluated: 2021-01-22. Review status: criteria provided, single submitter. Criteria: Ambry Variant Classification Scheme 2023. Collection method: clinical testing. Allele origin: germline.